The following is an entry in ClinVar:

ClinVar aggregate classification (germline): Likely benign. Review status: criteria provided, multiple submitters, no conflicts (2 of 4 stars). 4 submissions from 4 submitters: Likely benign (3). 1 of the submissions does not count toward it. Last evaluated 2025-09-14.

Conditions:
KMT2D-related disorder. Also called: KMT2D-Related Disorders.
Kabuki syndrome. Also called: NIIKAWA-KUROKI SYNDROME; Kabuki make-up syndrome. Identifiers: Orphanet 2322, MedGen C0796004, MONDO:0016512.

Allele frequency attached by ClinVar (database versions not stated): gnomAD exomes 0.00002 and 0.00004; ExAC 0.00003; gnomAD 0.00005; TOPMed 0.00005; ESP Exome Variant Server 0.00008.
gnomAD v4.1: 36 of 1,612,822 alleles (0.0022%); highest among the groups gnomAD compares: Admixed American, 0.023%; no homozygotes.

Submissions (4):

Labcorp Genetics (formerly Invitae), Labcorp
Classification: Likely benign for Kabuki syndrome. Last evaluated: 2025-09-14. Review status: criteria provided, single submitter. Criteria: Invitae Variant Classification Sherloc (09022015). Collection method: clinical testing. Allele origin: germline.

GeneDx
Classification: Likely benign. Last evaluated: 2021-06-09. Review status: criteria provided, single submitter. Criteria: GeneDx Variant Classification Process June 2021. Collection method: clinical testing. Allele origin: germline. Affected: yes.

Breakthrough Genomics
Classification: Likely benign. Review status: criteria provided, single submitter. Criteria: ACMG Guidelines, 2015. Collection method: not provided. Allele origin: germline. Inheritance: Autosomal dominant inheritance. Affected: yes.

PreventionGenetics, part of Exact Sciences
Classification: Likely benign for KMT2D-related condition. Last evaluated: 2024-01-10. Review status: no assertion criteria provided. Collection method: clinical testing. Allele origin: germline. Not counted in ClinVar's aggregate classification.
Comment: This variant is classified as likely benign based on ACMG/AMP sequence variant interpretation guidelines (Richards et al. 2015 PMID: 25741868, with internal and published modifications).

NM_003482.4(KMT2D):c.2184A>G (p.Leu728=)

Gene: KMT2D (lysine methyltransferase 2D; minus strand). Cytogenetic location: 12q13.12.
Variant type: single nucleotide variant.
Coding change: c.2184A>G on transcript NM_003482.4 (MANE Select); coding-DNA position 2184, A replaced by G.
Protein change: p.Leu728=; no amino-acid change (leucine 728 retained).
Molecular consequence: synonymous variant.
Genome position (GRCh38, 1-based): chr12:49,051,499, T>C on the plus strand (A>G on the coding strand, the complement: KMT2D is on the minus strand). VCF-style: chr12-49051499-T-C. GRCh37 (hg19) VCF-style: chr12-49445282-T-C.
Identifiers: ClinVar variation 1218982 (VCV001218982.14), dbSNP rs369591408, ClinGen allele CA6548326.
Genomic context (GRCh38, chr12:49,051,499, plus strand): 5'-CTCAGGCCGGGGTGACAGGTGCGGCCCCTCGGACCGGGGGCAGAGTTGCGGCTCCTCAGG[T>C]AGTGGCAACAGGGGTGACTCCTCCAGCGGCAGGGACATGAGCGAGTCCTCCGGTGGTGGG-3'
Protein context (NP_003473.3, residues 718-738): LPLEESPLLP[Leu728=]PEEPQLCPRS